The following is an entry in ClinVar:

ClinVar aggregate classification (germline): Uncertain significance (1 of 4 stars; one submission).

Submission:

Ambry Genetics
Classification: Uncertain significance. Last evaluated: 2025-08-19. Review status: criteria provided, single submitter. Criteria: Ambry Variant Classification Scheme 2023. Collection method: clinical testing. Allele origin: germline.
Comment: The p.C208W variant (also known as c.624T>G), located in coding exon 1 of the EGLN1 gene, results from a T to G substitution at nucleotide position 624. The cysteine at codon 208 is replaced by tryptophan, an amino acid with highly dissimilar properties. This amino acid position is conserved. In addition, the in silico prediction for this alteration is inconclusive. Based on the available evidence, the clinical significance of this variant remains unclear.

NM_022051.3(EGLN1):c.624T>G (p.Cys208Trp)

Gene: EGLN1 (egl-9 family hypoxia inducible factor 1; minus strand). Cytogenetic location: 1q42.2.
Variant type: single nucleotide variant.
Coding change: c.624T>G on transcript NM_022051.3 (MANE Select); coding-DNA position 624, T replaced by G.
Protein change: p.Cys208Trp; replaces cysteine 208 with tryptophan.
Molecular consequence: missense variant.
Genome position (GRCh38, 1-based): chr1:231,421,265, A>C on the plus strand (T>G on the coding strand, the complement: EGLN1 is on the minus strand). VCF-style: chr1-231421265-A-C. GRCh37 (hg19) VCF-style: chr1-231557011-A-C.
Other names: c.624T>G, p.Cys208Trp (NM_001377260.1, NM_001377261.1); short protein forms C208W.
Identifiers: ClinVar variation 4247401 (VCV004247401.1).